The following is an entry in ClinVar:

NM_001276345.2(TNNT2):c.56C>G (p.Ala19Gly)

Gene: TNNT2 (troponin T2, cardiac type; minus strand). Cytogenetic location: 1q32.1.
Variant type: single nucleotide variant.
Coding change: c.56C>G on transcript NM_001276345.2 (MANE Select); coding-DNA position 56, C replaced by G.
Protein change: p.Ala19Gly; replaces alanine 19 with glycine.
Molecular consequence: missense variant. On other transcripts: intron variant (1).
Genome position (GRCh38, 1-based): chr1:201,372,038, G>C on the plus strand (C>G on the coding strand, the complement: TNNT2 is on the minus strand). VCF-style: chr1-201372038-G-C. GRCh37 (hg19) VCF-style: chr1-201341166-G-C.
Other names: p.Ala19Gly; c.56C>G, p.Ala19Gly (NM_000364.4, NM_001001430.3, NM_001001431.3 and 2 more transcripts); c.52+107C>G (NM_001001432.3); c.56C>G (NM_001001430.1); short protein forms A19G.
Identifiers: ClinVar variation 1411591 (VCV001411591.11), dbSNP rs753645200, ClinGen allele CA030513.

ClinVar aggregate classification (germline): Conflicting classifications of pathogenicity. Review status: criteria provided, conflicting classifications (1 of 4 stars). 5 submissions from 5 submitters: Uncertain significance (3); Likely benign (2). Last evaluated 2025-08-26.

Conditions:
Cardiomyopathy, familial restrictive, 3. Identifiers: Orphanet 75249, MedGen C2676271, MONDO:0012900, OMIM 612422.
Hypertrophic cardiomyopathy 2. Also called: TNNT2-Related Familial Hypertrophic Cardiomyopathy. Identifiers: MedGen C1861864, MONDO:0007266, OMIM 115195.
Dilated cardiomyopathy 1D. Identifiers: Orphanet 154, Orphanet 54260, MedGen C1832243, MONDO:0011095, OMIM 601494.
Cardiovascular phenotype. Identifiers: MedGen CN230736.
Cardiomyopathy (CMYO). Also called: Cardiomyopathies. Identifiers: Orphanet 167848, MedGen C0878544, MONDO:0004994, HP:0001638. Inheritance: Various modes of inheritance.

Allele frequency attached by ClinVar (database versions not stated): gnomAD exomes 0.00001 and 0.00002; gnomAD 0.00002; ExAC 0.00003.
gnomAD v4.1: 24 of 1,568,864 alleles (0.0015%); highest among the groups gnomAD compares: South Asian, 0.026%; 1 homozygote.

Submissions (5):

Color Diagnostics, LLC DBA Color Health
Classification: Likely benign for Cardiomyopathy. Last evaluated: 2025-08-26. Review status: criteria provided, single submitter. Criteria: ACMG Guidelines, 2015. Collection method: clinical testing. Allele origin: germline.

Mayo Clinic Laboratories, Mayo Clinic
Classification: Uncertain significance. Last evaluated: 2025-07-10. Review status: criteria provided, single submitter. Criteria: ACMG Guidelines, 2015. Collection method: clinical testing. Allele origin: germline. Observed: 1 variant allele.

Ambry Genetics
Classification: Uncertain significance for Cardiovascular phenotype. Last evaluated: 2025-06-17. Review status: criteria provided, single submitter. Criteria: Ambry Variant Classification Scheme 2023. Collection method: clinical testing. Allele origin: germline.
Comment: The p.A19G variant (also known as c.56C>G), located in coding exon 3 of the TNNT2 gene, results from a C to G substitution at nucleotide position 56. The alanine at codon 19 is replaced by glycine, an amino acid with similar properties. This amino acid position is not well conserved in available vertebrate species. In addition, the in silico prediction for this alteration is inconclusive. Based on the available evidence, the clinical significance of this variant remains unclear.

Labcorp Genetics (formerly Invitae), Labcorp
Classification: Uncertain significance for Cardiomyopathy, familial restrictive, 3; Hypertrophic cardiomyopathy 2; Dilated cardiomyopathy 1D. Last evaluated: 2024-11-10. Review status: criteria provided, single submitter. Criteria: Invitae Variant Classification Sherloc (09022015). Collection method: clinical testing. Allele origin: germline.
Comment: This sequence change replaces alanine, which is neutral and non-polar, with glycine, which is neutral and non-polar, at codon 19 of the TNNT2 protein (p.Ala19Gly). This variant is present in population databases (rs753645200, gnomAD 0.02%). This variant has not been reported in the literature in individuals affected with TNNT2-related conditions. ClinVar contains an entry for this variant (Variation ID: 1411591). An algorithm developed to predict the effect of missense changes on protein structure and function outputs the following: PolyPhen-2: "Not Available". The glycine amino acid residue is found in multiple mammalian species, which suggests that this missense change does not adversely affect protein function. In summary, the available evidence is currently insufficient to determine the role of this variant in disease. Therefore, it has been classified as a Variant of Uncertain Significance.

Blueprint Genetics
Classification: Likely benign. Last evaluated: 2018-12-17. Review status: criteria provided, single submitter. Criteria: ACMG Guidelines, 2015. Collection method: clinical testing. Allele origin: germline.